The following is an entry in ClinVar:

ClinVar aggregate classification (germline): Benign/Likely benign. Review status: criteria provided, multiple submitters, no conflicts (2 of 4 stars). 3 submissions from 3 submitters: Benign (1); Likely benign (2). Last evaluated 2022-08-11.

Conditions:
Progressive sclerosing poliodystrophy (MTDPS4A). Also called: Alpers-Huttenlocher Syndrome (AHS); Alpers Syndrome; ALPERS PROGRESSIVE INFANTILE POLIODYSTROPHY; Mitochondrial DNA depletion syndrome 4A (Alpers type); ALPERS DIFFUSE DEGENERATION OF CEREBRAL GRAY MATTER WITH HEPATIC CIRRHOSIS; Alpers-Huttenlocher Syndrome. Identifiers: Orphanet 726, MedGen C0205710, MONDO:0008758, OMIM 203700.

Allele frequency attached by ClinVar (database versions not stated): gnomAD exomes 0.00070 and 0.00176; ExAC 0.00205; gnomAD 0.00728 and 0.00779; 1000 Genomes Project 0.00739; 1000 Genomes Project 30x 0.00796; TOPMed 0.00824; ESP Exome Variant Server 0.00854.
gnomAD v4.1: 2,155 of 1,612,292 alleles (0.13%); highest among the groups gnomAD compares: African/African-American, 2.6%; 31 homozygotes.

Submissions (3):

Mayo Clinic Laboratories, Mayo Clinic
Classification: Benign. Last evaluated: 2022-08-11. Review status: criteria provided, single submitter. Criteria: ACMG Guidelines, 2015. Collection method: clinical testing. Allele origin: germline. Observed: 5 variant alleles.
Comment: BA1, BP4, BP7

GeneDx
Classification: Likely benign. Last evaluated: 2019-07-26. Review status: criteria provided, single submitter. Criteria: GeneDx Variant Classification Process June 2021. Collection method: clinical testing. Allele origin: germline. Affected: yes.

Wong Mito Lab, Molecular and Human Genetics, Baylor College of Medicine
Classification: Likely benign for Progressive sclerosing poliodystrophy. Last evaluated: 2018-10-01. Review status: criteria provided, single submitter. Criteria: ACMG Guidelines, 2015. Collection method: clinical testing. Allele origin: germline.
Comment: The NM_002693.2:c.3643+25A>G (NP_002684.1:p.=) [GRCH38: NC_000015.10:g.89317351T>C] variant in POLG gene is interpretated to be a Benign based on ACMG guidelines (PMID: 25741868). This variant meets the following evidence codes reported in the ACMG-guideline. BS1:The minor allele frequency of this allele is high for Mitochondrial DNA depletion syndrome 4A (Alpers type). BS2:Observation of the variant in controls is inconsistent with penetrance of Mitochondrial DNA depletion syndrome 4A (Alpers type). BP4:Computational evidence/predictors indicate no impact on the POLG structure, function, or protein-protein interaction. Based on the evidence criteria codes applied, the variant is suggested to be Benign.

NM_002693.3(POLG):c.3643+25A>G

Genes: FANCI (FA complementation group I; plus strand), POLG (DNA polymerase gamma, catalytic subunit; minus strand). Cytogenetic location: 15q26.1.
Variant type: single nucleotide variant.
Coding change: c.3643+25A>G on transcript NM_002693.3 (MANE Select); 25 bases into the intron after coding-DNA position 3643, A replaced by G.
Molecular consequence: intron variant.
Genome position (GRCh38, 1-based): chr15:89,317,351, T>C on the plus strand (A>G on the coding strand, the complement: POLG is on the minus strand). VCF-style: chr15-89317351-T-C. GRCh37 (hg19) VCF-style: chr15-89860582-T-C.
Other names: p.?; c.3643+25A>G (NM_001126131.2).
Identifiers: ClinVar variation 619495 (VCV000619495.5), dbSNP rs74842339, ClinGen allele CA7724069.